The following is an entry in ClinVar:

NM_000059.4(BRCA2):c.6244G>A (p.Glu2082Lys)

Gene: BRCA2 (BRCA2 DNA repair associated; plus strand). Cytogenetic location: 13q13.1.
Variant type: single nucleotide variant.
Coding change: c.6244G>A on transcript NM_000059.4 (MANE Select); coding-DNA position 6244, G replaced by A.
Protein change: p.Glu2082Lys; replaces glutamic acid 2082 with lysine.
Molecular consequence: missense variant.
Genome position (GRCh38, 1-based): chr13:32,340,599, G>A. VCF-style: chr13-32340599-G-A. GRCh37 (hg19) VCF-style: chr13-32914736-G-A.
Other names: c.6244G>A, p.Glu2082Lys (NM_001406719.1, NM_001406720.1); short protein forms E2082K.
Identifiers: ClinVar variation 2131919 (VCV002131919.6), dbSNP rs886040642, ClinGen allele CA387788915.
Genomic context (GRCh38, chr13:32,340,599, plus strand): 5'-AGTGGAAAGCAAGTTTCCATTTTAGAAAGTTCCTTACACAAAGTTAAGGGAGTGTTAGAG[G>A]AATTTGATTTAATCAGAACTGAGCATAGTCTTCACTATTCACCTACGTCTAGACAAAATG-3'
Protein context (NP_000050.3, residues 2072-2092): SLHKVKGVLE[Glu2082Lys]FDLIRTEHSL

ClinVar aggregate classification (germline): Conflicting classifications of pathogenicity. Review status: criteria provided, conflicting classifications (1 of 4 stars). 2 submissions from 2 submitters: Uncertain significance (1); Likely benign (1). Last evaluated 2023-03-23.

Conditions:
Hereditary cancer-predisposing syndrome. Also called: Hereditary neoplastic syndrome; Hereditary Cancer Syndrome; Tumor predisposition; Neoplastic Syndromes, Hereditary. Identifiers: Orphanet 140162, MedGen C0027672, MeSH D009386, MONDO:0015356.
Hereditary breast ovarian cancer syndrome. Also called: Hereditary breast and ovarian cancer; Hereditary breast and/or ovarian cancer syndrome; Hereditary breast and ovarian cancer syndrome (HBOC); Breast and ovarian cancer; Hereditary breast and ovarian cancer syndrome; BRCA1- and BRCA2-Associated Hereditary Breast and Ovarian Cancer. Identifiers: Orphanet 145, MedGen C0677776, MeSH D061325, MONDO:0003582. Disease mechanism: loss of function.

Submissions (2):

University of Washington Department of Laboratory Medicine, University of Washington
Classification: Likely benign for Hereditary cancer-predisposing syndrome. Last evaluated: 2023-03-23. Review status: criteria provided, single submitter. Criteria: Dines et al. (Genet Med. 2020). Collection method: curation. Allele origin: germline.
Comment: Missense variant in a coldspot region where missense variants are very unlikely to be pathogenic (PMID:31911673).

BRCA2 exon 11 coldspot. Reclassification based on statistical prior probability.

Labcorp Genetics (formerly Invitae), Labcorp
Classification: Uncertain significance for Hereditary breast ovarian cancer syndrome. Last evaluated: 2022-05-17. Review status: criteria provided, single submitter. Criteria: Invitae Variant Classification Sherloc (09022015). Collection method: clinical testing. Allele origin: germline.
Comment: Advanced modeling of protein sequence and biophysical properties (such as structural, functional, and spatial information, amino acid conservation, physicochemical variation, residue mobility, and thermodynamic stability) performed at Invitae indicates that this missense variant is not expected to disrupt BRCA2 protein function. This variant has not been reported in the literature in individuals affected with BRCA2-related conditions. In summary, the available evidence is currently insufficient to determine the role of this variant in disease. Therefore, it has been classified as a Variant of Uncertain Significance. This variant is not present in population databases (gnomAD no frequency). This sequence change replaces glutamic acid, which is acidic and polar, with lysine, which is basic and polar, at codon 2082 of the BRCA2 protein (p.Glu2082Lys).